The following is an entry in ClinVar:

NM_006186.4(NR4A2):c.1423T>A (p.Cys475Ser)

Gene: NR4A2 (nuclear receptor subfamily 4 group A member 2; minus strand). Cytogenetic location: 2q24.1.
Variant type: single nucleotide variant.
Coding change: c.1423T>A on transcript NM_006186.4 (MANE Select); coding-DNA position 1423, T replaced by A.
Protein change: p.Cys475Ser; replaces cysteine 475 with serine.
Molecular consequence: missense variant.
Genome position (GRCh38, 1-based): chr2:156,326,267, A>T on the plus strand (T>A on the coding strand, the complement: NR4A2 is on the minus strand). VCF-style: chr2-156326267-A-T. GRCh37 (hg19) VCF-style: chr2-157182779-A-T.
Other names: c.1234T>A, p.Cys412Ser (NM_173173.3); short protein forms C412S, C475S.
Identifiers: ClinVar variation 1303592 (VCV001303592.2), dbSNP rs2105593128, ClinGen allele CA348680220.
Genomic context (GRCh38, chr2:156,326,267, plus strand): 5'-TCTGCAAGTTGGAGGAGAATTCAACAATGGAATCAATCCATTCCCCAAAGCCACGAACGC[A>T]TTGCAACCTGTGCAAGACCACCCCATTGCAAAAGATGAGTTTACCCTCCACTGGGTTGGA-3'
Protein context (NP_006177.1, residues 465-485): CNGVVLHRLQ[Cys475Ser]VRGFGEWIDS

ClinVar aggregate classification (germline): Uncertain significance (1 of 4 stars; one submission).

Submission:

GeneDx
Classification: Uncertain significance. Last evaluated: 2020-04-10. Review status: criteria provided, single submitter. Criteria: GeneDx Variant Classification Process June 2021. Collection method: clinical testing. Allele origin: germline. Affected: yes.
Comment: Not observed in large population cohorts (Lek et al., 2016); In silico analysis, which includes protein predictors and evolutionary conservation, supports a deleterious effect; Has not been previously published as pathogenic or benign to our knowledge